The following is an entry in ClinVar:

NM_001754.5(RUNX1):c.*3944G>A

Gene: RUNX1 (RUNX family transcription factor 1; minus strand). Cytogenetic location: 21q22.12.
Variant type: single nucleotide variant.
Coding change: c.*3944G>A on transcript NM_001754.5 (MANE Select); 3944 bases downstream of the stop codon, G replaced by A.
Molecular consequence: 3 prime UTR variant.
Genome position (GRCh38, 1-based): chr21:34,788,191, C>T on the plus strand (G>A on the coding strand, the complement: RUNX1 is on the minus strand). VCF-style: chr21-34788191-C-T. GRCh37 (hg19) VCF-style: chr21-36160488-C-T.
Other names: c.*3944G>A (NM_001001890.3).
Identifiers: ClinVar variation 339800 (VCV000339800.6), dbSNP rs751695710, ClinGen allele CA10644612.

ClinVar aggregate classification (germline): Uncertain significance. Review status: reviewed by expert panel (3 of 4 stars). 2 submissions from 2 submitters: Uncertain significance (1). 1 of the submissions does not count toward it. Last evaluated 2024-09-18.

Conditions:
Hereditary thrombocytopenia and hematologic cancer predisposition syndrome. Identifiers: Orphanet 71290, MedGen CN281654, MONDO:0011071.
Hereditary thrombocytopenia and hematological cancer predisposition syndrome associated with RUNX1. Also called: PLATELET DISORDER, ASPIRIN-LIKE; RUNX1 Familial Platelet Disorder with Associated Myeloid Malignancies; Familial Platelet Disorder with Propensity to Acute Myelogenous Leukemia; Familial thrombocytopenia with propensity to acute myelogenous leukemia. Identifiers: Orphanet 71290, MedGen C1832388, MeSH C563324, MONDO:0100083, OMIM 601399.

Allele frequency attached by ClinVar (database versions not stated): gnomAD 0.00005; TOPMed 0.00005.

Submissions (2):

ClinGen Myeloid Malignancy Variant Curation Expert Panel
Classification: Uncertain significance for Hereditary thrombocytopenia and hematologic cancer predisposition syndrome. Last evaluated: 2024-09-18. Review status: reviewed by expert panel. Criteria: ClinGen MyeloMalig ACMG Specifications v2. Collection method: curation. Allele origin: germline. Inheritance: Autosomal dominant inheritance.
Comment: NM_001754.5(RUNX1):c.*3944G>A is a 3' UTR variant which does not meet any ACMG/AMP criteria. In summary, the clinical significance of this variant is uncertain. ACMG/AMP criteria applied, as specified by the Myeloid Malignancy Variant Curation Expert Panel for RUNX1: None.

Illumina Laboratory Services, Illumina
Classification: Uncertain significance for Hereditary thrombocytopenia and hematological cancer predisposition syndrome associated with RUNX1. Last evaluated: 2018-01-13. Review status: criteria provided, single submitter. Criteria: ICSL Variant Classification Criteria 13 December 2019. Collection method: clinical testing. Allele origin: germline. Not counted in ClinVar's aggregate classification.